The following is an entry in ClinVar:

NM_000466.3(PEX1):c.2783+4G>A

Gene: PEX1 (peroxisomal biogenesis factor 1; minus strand). Cytogenetic location: 7q21.2.
Variant type: single nucleotide variant.
Coding change: c.2783+4G>A on transcript NM_000466.3 (MANE Select); 4 bases into the intron after coding-DNA position 2783, G replaced by A.
Molecular consequence: intron variant.
Genome position (GRCh38, 1-based): chr7:92,496,709, C>T on the plus strand (G>A on the coding strand, the complement: PEX1 is on the minus strand). VCF-style: chr7-92496709-C-T. GRCh37 (hg19) VCF-style: chr7-92126023-C-T.
Other names: c.2612+4G>A (NM_001282677.2); c.2159+4G>A (NM_001282678.2).
Identifiers: ClinVar variation 1040739 (VCV001040739.11), dbSNP rs751416309, ClinGen allele CA4341022.
Genomic context (GRCh38, chr7:92,496,709, plus strand): 5'-AAAAGCACTGATTGATAAATAATAACAGAGTCAGTTACTTTAAAAACATTCATAGGCTAC[C>T]AACCTAATAAAAATATCCCGAACAGCTTGTTCACTTGCTCCAATGTATTTGCTGAGTAAC-3'

ClinVar aggregate classification (germline): Uncertain significance. Review status: criteria provided, single submitter (1 of 4 stars). 2 submissions from 2 submitters: Uncertain significance (1). 1 of the submissions does not count toward it. Last evaluated 2022-02-05.

Conditions:
Zellweger spectrum disorders (ZS). Also called: Zellweger Spectrum Disorder; Zellweger Spectrum; Zellweger Spectrum Disorder (ZSD); Zellweger syndrome. Identifiers: Orphanet 912, MedGen C0043459, MONDO:0019609.

Allele frequency attached by ClinVar (database versions not stated): gnomAD exomes below 0.00001; ExAC 0.00001; gnomAD 0.00001; TOPMed 0.00001.

Submissions (2):

Labcorp Genetics (formerly Invitae), Labcorp
Classification: Uncertain significance for Zellweger spectrum disorders. Last evaluated: 2022-02-05. Review status: criteria provided, single submitter. Criteria: Invitae Variant Classification Sherloc (09022015). Collection method: clinical testing. Allele origin: germline.
Comment: This sequence change falls in intron 17 of the PEX1 gene. It does not directly change the encoded amino acid sequence of the PEX1 protein. It affects a nucleotide within the consensus splice site. This variant is present in population databases (rs751416309, gnomAD 0.007%). This variant has not been reported in the literature in individuals affected with PEX1-related conditions. ClinVar contains an entry for this variant (Variation ID: 1040739). Variants that disrupt the consensus splice site are a relatively common cause of aberrant splicing (PMID: 17576681, 9536098). Algorithms developed to predict the effect of sequence changes on RNA splicing suggest that this variant is not likely to affect RNA splicing. In summary, the available evidence is currently insufficient to determine the role of this variant in disease. Therefore, it has been classified as a Variant of Uncertain Significance.

Natera, Inc.
Classification: Uncertain significance for Zellweger syndrome. Last evaluated: 2018-08-26. Review status: no assertion criteria provided. Collection method: clinical testing. Allele origin: germline. Not counted in ClinVar's aggregate classification.

Literature cited by the submitters: PubMed 17576681 (cited by Labcorp Genetics (formerly Invitae), Labcorp); PubMed 9536098 (cited by Labcorp Genetics (formerly Invitae), Labcorp).